The following is an entry in ClinVar:

NM_000397.4(CYBB):c.686G>A (p.Arg229His)

Gene: CYBB (cytochrome b-245 beta chain; plus strand). Cytogenetic location: Xp21.1.
Variant type: single nucleotide variant.
Coding change: c.686G>A on transcript NM_000397.4 (MANE Select); coding-DNA position 686, G replaced by A.
Protein change: p.Arg229His; replaces arginine 229 with histidine.
Molecular consequence: missense variant.
Genome position (GRCh38, 1-based): chrX:37,798,966, G>A. VCF-style: chrX-37798966-G-A. GRCh37 (hg19) VCF-style: chrX-37658219-G-A.
Other names: short protein forms R229H.
Identifiers: ClinVar variation 533561 (VCV000533561.16), dbSNP rs139670417, ClinGen allele CA10383781.

ClinVar aggregate classification (germline): Benign/Likely benign. Review status: criteria provided, multiple submitters, no conflicts (2 of 4 stars). 4 submissions from 4 submitters: Benign (1); Likely benign (1). 2 of the submissions do not count toward it. Last evaluated 2026-01-19.

Conditions:
CYBB-related disorder. Also called: CYBB-related condition.
Chronic granulomatous disease. Identifiers: Orphanet 379, MedGen C0018203, MONDO:0018305.
Granulomatous disease, chronic, X-linked. Also called: GRANULOMATOUS DISEASE, CHRONIC, X-LINKED, SOMATIC MOSAIC; CYTOCHROME b-NEGATIVE GRANULOMATOUS DISEASE, CHRONIC, X-LINKED. Identifiers: Orphanet 379, MedGen C1844376, MONDO:0010600, OMIM 306400.

Allele frequency attached by ClinVar (database versions not stated): gnomAD exomes 0.00016 and 0.00035; ExAC 0.00067; gnomAD 0.00105 and 0.00106; ESP Exome Variant Server 0.00123; TOPMed 0.00131; 1000 Genomes Project 0.00265; 1000 Genomes Project 30x 0.00333.
gnomAD v4.1: 297 of 1,205,587 alleles (0.025%); highest among the groups gnomAD compares: African/African-American, 0.38%; no homozygotes.

Submissions (4):

Labcorp Genetics (formerly Invitae), Labcorp
Classification: Benign for Granulomatous disease, chronic, X-linked. Last evaluated: 2026-01-19. Review status: criteria provided, single submitter. Criteria: Invitae Variant Classification Sherloc (09022015). Collection method: clinical testing. Allele origin: germline.

Blueprint Genetics
Classification: Likely benign. Last evaluated: 2023-11-14. Review status: criteria provided, single submitter. Criteria: ACMG Guidelines, 2015. Collection method: clinical testing. Allele origin: germline.

PreventionGenetics, part of Exact Sciences
Classification: Likely benign for CYBB-related condition. Last evaluated: 2023-10-16. Review status: no assertion criteria provided. Collection method: clinical testing. Allele origin: germline. Not counted in ClinVar's aggregate classification.
Comment: This variant is classified as likely benign based on ACMG/AMP sequence variant interpretation guidelines (Richards et al. 2015 PMID: 25741868, with internal and published modifications).

Natera, Inc.
Classification: Likely benign for Chronic granulomatous disease. Last evaluated: 2019-12-05. Review status: no assertion criteria provided. Collection method: clinical testing. Allele origin: germline. Not counted in ClinVar's aggregate classification.